The following is an entry in ClinVar:

NM_001267550.2(TTN):c.44149del (p.Thr14717fs)

Gene: TTN (titin; minus strand). Cytogenetic location: 2q31.2.
Variant type: Deletion.
Coding change: c.44149del on transcript NM_001267550.2 (MANE Select); coding-DNA position 44149, one base deleted (A; older notation c.44149delA).
Protein change: p.Thr14717fs; shifts the reading frame from threonine 14717.
Molecular consequence: frameshift variant.
Genome position (GRCh38, 1-based): chr2:178,630,809, T deleted on the plus strand (A on the coding strand, the reverse complement: TTN is on the minus strand); the first of 3 consecutive T bases (chr2:178,630,809-178,630,811); deleting any one gives the same sequence. VCF-style (leftmost placement, unchanged base first): chr2-178630808-GT-G. GRCh37 (hg19) VCF-style: chr2-179495535-GT-G.
Other names: c.16954delA (NM_003319.4); c.39226del, p.Thr13076fs (NM_001256850.1); c.16954del, p.Thr5652fs (NM_003319.4); c.36445del, p.Thr12149fs (NM_133378.4); c.17329del, p.Thr5777fs (NM_133432.3); c.17530del, p.Thr5844fs (NM_133437.4); short protein forms T14717fs, T5777fs, T5652fs, T12149fs, T13076fs, T5844fs.
Identifiers: ClinVar variation 1778210 (VCV001778210.3), dbSNP rs2471401192, ClinGen allele CA2580065096.

ClinVar aggregate classification (germline): Likely pathogenic. Review status: criteria provided, single submitter (1 of 4 stars). 2 submissions from 2 submitters: Likely pathogenic (1). 1 of the submissions does not count toward it. Last evaluated 2022-06-06.

Conditions:
Cardiovascular phenotype. Identifiers: MedGen CN230736.
Dilated cardiomyopathy 1G (CMD1G). Identifiers: Orphanet 154, MedGen C1858763, MONDO:0011400, OMIM 604145.

Submissions (2):

Ambry Genetics
Classification: Likely pathogenic for Cardiovascular phenotype. Last evaluated: 2022-06-06. Review status: criteria provided, single submitter. Criteria: Ambry Variant Classification Scheme 2023. Collection method: clinical testing. Allele origin: germline.
Comment: The c.16954delA variant, located in coding exon 65 of the TTN gene, results from a deletion of one nucleotide at nucleotide position 16954, causing a translational frameshift with a predicted alternate stop codon (p.T5652Hfs*47). This exon is located in the I-band region of the N2-B isoform of the titin protein and is constitutively expressed in TTN transcripts (percent spliced in or PSI 100%). This variant is considered to be rare based on population cohorts in the Genome Aggregation Database (gnomAD). This alteration is expected to result in loss of function by premature protein truncation or nonsense-mediated mRNA decay. While truncating variants in TTN are present in 1-3% of the general population, truncating variants in the A-band are the most common cause of dilated cardiomyopathy (DCM) (Herman DS et al. N. Engl. J. Med., 2012 Feb;366:619-28; Roberts AM et al. Sci Transl Med, 2015 Jan;7:270ra6). TTN truncating variants encoded in constitutive exons (PSI >90%) have been found to be significantly associated with DCM regardless of their position in titin (Schafer S et al. Nat. Genet., 2017 01;49:46-53). As such, this alteration is classified as likely pathogenic.

Cardiogenetics and Myogenetics Molecular and Cellular Functional Unit, Aphp Sorbonne University-Hopital Pitie Salpetriere
Classification: Likely pathogenic for Dilated cardiomyopathy 1G. Last evaluated: 2024-01-06. Review status: no assertion criteria provided. Collection method: clinical testing. Allele origin: germline. Affected: yes. Not counted in ClinVar's aggregate classification.